The following is an entry in ClinVar:

ClinVar aggregate classification (germline): Uncertain significance (1 of 4 stars; one submission).

Conditions:
Hereditary cancer-predisposing syndrome. Also called: Neoplastic Syndromes, Hereditary; Tumor predisposition; Hereditary neoplastic syndrome; Hereditary Cancer Syndrome. Identifiers: Orphanet 140162, MedGen C0027672, MeSH D009386, MONDO:0015356.

Submission:

Ambry Genetics
Classification: Uncertain significance for Hereditary cancer-predisposing syndrome. Last evaluated: 2026-08-02. Review status: criteria provided, single submitter. Criteria: Ambry Variant Classification Scheme 2023. Collection method: clinical testing. Allele origin: germline.
Comment: The p.R542I variant (also known as c.1625G>T), located in coding exon 14 of the FANCC gene, results from a G to T substitution at nucleotide position 1625. The arginine at codon 542 is replaced by isoleucine, an amino acid with similar properties. This amino acid position is conserved. In addition, this alteration is predicted to be tolerated by in silico analysis. Based on the available evidence, the clinical significance of this variant remains unclear.

NM_000136.3(FANCC):c.1625G>T (p.Arg542Ile)

Genes: AOPEP (aminopeptidase O (putative); plus strand), FANCC (FA complementation group C; minus strand). Cytogenetic location: 9q22.32.
Variant type: single nucleotide variant.
Coding change: c.1625G>T on transcript NM_000136.3 (MANE Select); coding-DNA position 1625, G replaced by T.
Protein change: p.Arg542Ile; replaces arginine 542 with isoleucine.
Molecular consequence: missense variant.
Genome position (GRCh38, 1-based): chr9:95,101,759, C>A on the plus strand (G>T on the coding strand, the complement: FANCC is on the minus strand). VCF-style: chr9-95101759-C-A. GRCh37 (hg19) VCF-style: chr9-97864041-C-A.
Other names: c.1625G>T, p.Arg542Ile (NM_001243743.2); short protein forms R542I.
Identifiers: ClinVar variation 5036475 (VCV005036475.1).
Genomic context (GRCh38, chr9:95,101,759, plus strand): 5'-CGTGCCTTCTAGACTTGAGTTCGCAGCTCTTTAAGGAGCTCTCGGGCCAGTTTTTCTGAT[C>A]TAGGGCTTTCAATGCCAAGACGATTCCATCTGTACAAGGTCTGGTCAAGAAAGCCAATGA-3'
Protein context (NP_000127.2, residues 532-552): RWNRLGIESP[Arg542Ile]SEKLARELLK